The following is an entry in ClinVar:

NM_001142800.2(EYS):c.9334A>G (p.Ile3112Val)

Genes: EYS (EGF-like photoreceptor maintenance factor; minus strand), PHF3 (PHD finger protein 3; plus strand). Cytogenetic location: 6q12.
Variant type: single nucleotide variant.
Coding change: c.9334A>G on transcript NM_001142800.2 (MANE Select); coding-DNA position 9334, A replaced by G.
Protein change: p.Ile3112Val; replaces isoleucine 3112 with valine.
Molecular consequence: missense variant. On other transcripts: 3 prime UTR variant (5).
Genome position (GRCh38, 1-based): chr6:63,720,697, T>C on the plus strand (A>G on the coding strand, the complement: EYS is on the minus strand). VCF-style: chr6-63720697-T-C. GRCh37 (hg19) VCF-style: chr6-64430593-T-C.
Other names: c.*6989T>C (NM_001290259.2, NM_001370348.2, NM_001370349.2 and 2 more transcripts); c.9397A>G, p.Ile3133Val (NM_001292009.2); c.9334A>G (NM_001142800.1); short protein forms I3112V, I3133V.
Identifiers: ClinVar variation 1406854 (VCV001406854.5), dbSNP rs1267963237, ClinGen allele CA364382717.
Genomic context (GRCh38, chr6:63,720,697, plus strand): 5'-ATCCTTCTAATTTAATTAGTTCAATGTTTTTTGGTTCCTGAAAAAATACAACATCTTTAA[T>C]TTTGCCAACAAAATTGGTTTTAAAAATCTCTTGAGTAACGATATTTACCTTTCTACCATA-3'
Protein context (NP_001136272.1, residues 3102-3122): EIFKTNFVGK[Ile3112Val]KDVVFFQEPK

ClinVar aggregate classification (germline): Uncertain significance. Review status: criteria provided, multiple submitters, no conflicts (2 of 4 stars). 3 submissions from 3 submitters: Uncertain significance (3). Last evaluated 2025-07-01.

Conditions:
Inborn genetic diseases. Identifiers: MedGen C0950123, MeSH D030342.

Allele frequency attached by ClinVar (database versions not stated): gnomAD exomes below 0.00001 and 0.00001.
gnomAD v4.1: 4 of 1,548,440 alleles (0.00026%); highest among the groups gnomAD compares: South Asian, 0.0036%; no homozygotes.

Submissions (3):

Ambry Genetics
Classification: Uncertain significance for Inborn genetic diseases. Last evaluated: 2025-07-01. Review status: criteria provided, single submitter. Criteria: Ambry Variant Classification Scheme 2023. Collection method: clinical testing. Allele origin: germline.

Labcorp Genetics (formerly Invitae), Labcorp
Classification: Uncertain significance. Last evaluated: 2022-08-23. Review status: criteria provided, single submitter. Criteria: Invitae Variant Classification Sherloc (09022015). Collection method: clinical testing. Allele origin: germline.
Comment: This sequence change replaces isoleucine, which is neutral and non-polar, with valine, which is neutral and non-polar, at codon 3112 of the EYS protein (p.Ile3112Val). This variant is present in population databases (no rsID available, gnomAD 0.009%). This variant has not been reported in the literature in individuals affected with EYS-related conditions. ClinVar contains an entry for this variant (Variation ID: 1406854). Algorithms developed to predict the effect of missense changes on protein structure and function are either unavailable or do not agree on the potential impact of this missense change (SIFT: "Deleterious"; PolyPhen-2: "Benign"; Align-GVGD: "Class C0"). In summary, the available evidence is currently insufficient to determine the role of this variant in disease. Therefore, it has been classified as a Variant of Uncertain Significance.

Blueprint Genetics
Classification: Uncertain significance. Last evaluated: 2019-02-27. Review status: criteria provided, single submitter. Criteria: ACMG Guidelines, 2015. Collection method: clinical testing. Allele origin: germline.